The following is an entry in ClinVar:

ClinVar aggregate classification (germline): Uncertain significance (1 of 4 stars; one submission).

Conditions:
Catecholaminergic polymorphic ventricular tachycardia 1. Also called: VENTRICULAR TACHYCARDIA, CATECHOLAMINERGIC POLYMORPHIC, 1, WITH OR WITHOUT ATRIAL DYSFUNCTION AND/OR DILATED CARDIOMYOPATHY; VENTRICULAR TACHYCARDIA, STRESS-INDUCED POLYMORPHIC 1; RYR2-Related Catecholaminergic Polymorphic Ventricular Tachycardia. Identifiers: Orphanet 3286, MedGen C1631597, MONDO:0011484, OMIM 604772.

Submission:

Labcorp Genetics (formerly Invitae), Labcorp
Classification: Uncertain significance for Catecholaminergic polymorphic ventricular tachycardia 1. Last evaluated: 2022-07-21. Review status: criteria provided, single submitter. Criteria: Invitae Variant Classification Sherloc (09022015). Collection method: clinical testing. Allele origin: germline.
Comment: This variant is not present in population databases (gnomAD no frequency). This sequence change replaces tryptophan, which is neutral and slightly polar, with arginine, which is basic and polar, at codon 673 of the RYR2 protein (p.Trp673Arg). This variant has not been reported in the literature in individuals affected with RYR2-related conditions. Algorithms developed to predict the effect of missense changes on protein structure and function (SIFT, PolyPhen-2, Align-GVGD) all suggest that this variant is likely to be disruptive. In summary, the available evidence is currently insufficient to determine the role of this variant in disease. Therefore, it has been classified as a Variant of Uncertain Significance.

NM_001035.3(RYR2):c.2017T>C (p.Trp673Arg)

Gene: RYR2 (ryanodine receptor 2; plus strand). Cytogenetic location: 1q43.
Variant type: single nucleotide variant.
Coding change: c.2017T>C on transcript NM_001035.3 (MANE Select); coding-DNA position 2017, T replaced by C.
Protein change: p.Trp673Arg; replaces tryptophan 673 with arginine.
Molecular consequence: missense variant.
Genome position (GRCh38, 1-based): chr1:237,496,566, T>C. VCF-style: chr1-237496566-T-C. GRCh37 (hg19) VCF-style: chr1-237659866-T-C.
Other names: short protein forms W673R.
Identifiers: ClinVar variation 1721583 (VCV001721583.6), dbSNP rs2545835308, ClinGen allele CA345391254.